The following is an entry in ClinVar:

ClinVar aggregate classification (germline): Benign/Likely benign. Review status: criteria provided, multiple submitters, no conflicts (2 of 4 stars). 2 submissions from 2 submitters: Benign (1); Likely benign (1). Last evaluated 2026-07-09.

Conditions:
Rhabdoid tumor predisposition syndrome 2 (RTPS2). Identifiers: Orphanet 231108, Orphanet 69077, MedGen C2750074, MONDO:0013224, OMIM 613325.

Allele frequency attached by ClinVar (database versions not stated): gnomAD exomes below 0.00001 and 0.00001; ExAC 0.00001.
gnomAD v4.1: 7 of 1,613,872 alleles (0.00043%); highest among the groups gnomAD compares: Non-Finnish European, 0.00051%; no homozygotes.

Submissions (2):

Myriad Genetics, Inc.
Classification: Benign for Rhabdoid tumor predisposition syndrome 2. Last evaluated: 2026-07-09. Review status: criteria provided, single submitter. Criteria: Myriad Autosomal Dominant, Autosomal Recessive and X-Linked Classification Criteria (2023). Collection method: clinical testing. Allele origin: unknown.
Comment: This variant is considered benign. This variant is intronic and is not expected to impact mRNA splicing. This variant has been observed at a population frequency that is significantly greater than expected given the associated disease prevalence and penetrance.

Labcorp Genetics (formerly Invitae), Labcorp
Classification: Likely benign for Rhabdoid tumor predisposition syndrome 2. Last evaluated: 2025-08-09. Review status: criteria provided, single submitter. Criteria: Invitae Variant Classification Sherloc (09022015). Collection method: clinical testing. Allele origin: germline.

NM_003072.5(SMARCA4):c.1245+9T>C

Gene: SMARCA4 (SWI/SNF related BAF chromatin remodeling complex subunit ATPase 4; plus strand). Cytogenetic location: 19p13.2.
Variant type: single nucleotide variant.
Coding change: c.1245+9T>C on transcript NM_003072.5 (MANE Select); 9 bases into the intron after coding-DNA position 1245, T replaced by C.
Molecular consequence: intron variant.
Genome position (GRCh38, 1-based): chr19:10,989,452, T>C. VCF-style: chr19-10989452-T-C. GRCh37 (hg19) VCF-style: chr19-11100128-T-C.
Other names: c.1245+9T>C (NM_001128844.3, NM_001128849.3, NM_001128847.4 and 5 more transcripts).
Identifiers: ClinVar variation 470236 (VCV000470236.12), dbSNP rs756341190, ClinGen allele CA9203721.